The following is an entry in ClinVar:

ClinVar aggregate classification (germline): Uncertain significance. Review status: criteria provided, multiple submitters, no conflicts (2 of 4 stars). 2 submissions from 2 submitters: Uncertain significance (2). Last evaluated 2025-12-12.

Conditions:
Carnitine acylcarnitine translocase deficiency (CACTD). Identifiers: Orphanet 159, MedGen C0342791, MONDO:0008918, OMIM 212138.

Allele frequency attached by ClinVar (database versions not stated): ExAC 0.00001; TOPMed 0.00001; gnomAD 0.00002; gnomAD exomes 0.00003.
gnomAD v4.1: 47 of 1,613,820 alleles (0.0029%); highest among the groups gnomAD compares: Non-Finnish European, 0.0038%; no homozygotes.

Submissions (2):

Mayo Clinic Laboratories, Mayo Clinic
Classification: Uncertain significance. Last evaluated: 2025-12-12. Review status: criteria provided, single submitter. Criteria: ACMG Guidelines, 2015. Collection method: clinical testing. Allele origin: germline. Observed: 1 variant allele.
Comment: PP3_moderate, PM2_supporting

Labcorp Genetics (formerly Invitae), Labcorp
Classification: Uncertain significance for Carnitine acylcarnitine translocase deficiency. Last evaluated: 2022-02-28. Review status: criteria provided, single submitter. Criteria: Invitae Variant Classification Sherloc (09022015). Collection method: clinical testing. Allele origin: germline.
Comment: This sequence change replaces alanine, which is neutral and non-polar, with valine, which is neutral and non-polar, at codon 87 of the SLC25A20 protein (p.Ala87Val). This variant is present in population databases (rs749507449, gnomAD 0.002%). This missense change has been observed in individual(s) with clinical features of carnitine-acylcarnitine translocase (CACT) deficiency (PMID: 21605995). Algorithms developed to predict the effect of missense changes on protein structure and function are either unavailable or do not agree on the potential impact of this missense change (SIFT: "Deleterious"; PolyPhen-2: "Probably Damaging"; Align-GVGD: "Class C0"). In summary, the available evidence is currently insufficient to determine the role of this variant in disease. Therefore, it has been classified as a Variant of Uncertain Significance.

Literature cited by the submitters: PubMed 21605995 (cited by Mayo Clinic Laboratories, Mayo Clinic and Labcorp Genetics (formerly Invitae), Labcorp); PubMed 25614308 (cited by Mayo Clinic Laboratories, Mayo Clinic).

NM_000387.6(SLC25A20):c.260C>T (p.Ala87Val)

Gene: SLC25A20 (solute carrier family 25 member 20; minus strand). Cytogenetic location: 3p21.31.
Variant type: single nucleotide variant.
Coding change: c.260C>T on transcript NM_000387.6 (MANE Select); coding-DNA position 260, C replaced by T.
Protein change: p.Ala87Val; replaces alanine 87 with valine.
Molecular consequence: missense variant.
Genome position (GRCh38, 1-based): chr3:48,884,063, G>A on the plus strand (C>T on the coding strand, the complement: SLC25A20 is on the minus strand). VCF-style: chr3-48884063-G-A. GRCh37 (hg19) VCF-style: chr3-48921496-G-A.
Other names: p.Ala87Val; short protein forms A87V.
Identifiers: ClinVar variation 2203390 (VCV002203390.2), dbSNP rs749507449, ClinGen allele CA2387448.